The following is an entry in ClinVar:

NM_004444.5(EPHB4):c.2612del (p.Val871fs)

Genes: EPHB4 (EPH receptor B4; minus strand), LOC126860124 (CDK7 strongly-dependent group 2 enhancer GRCh37_chr7:100403701-100404900; plus strand). Cytogenetic location: 7q22.1.
Variant type: Deletion.
Coding change: c.2612del on transcript NM_004444.5 (MANE Select); coding-DNA position 2612, one base deleted (T; older notation c.2612delT).
Protein change: p.Val871fs; shifts the reading frame from valine 871.
Molecular consequence: frameshift variant.
Genome position (GRCh38, 1-based): chr7:100,805,567, A deleted on the plus strand (T on the coding strand, the reverse complement: EPHB4 is on the minus strand). VCF-style (leftmost placement, unchanged base first): chr7-100805566-GA-G. GRCh37 (hg19) VCF-style: chr7-100403188-GA-G.
Other names: short protein forms V871fs.
Identifiers: ClinVar variation 3660884 (VCV003660884.2).

ClinVar aggregate classification (germline): Pathogenic (1 of 4 stars; one submission).

Submission:

Labcorp Genetics (formerly Invitae), Labcorp
Classification: Pathogenic. Last evaluated: 2024-10-16. Review status: criteria provided, single submitter. Criteria: Invitae Variant Classification Sherloc (09022015). Collection method: clinical testing. Allele origin: germline.
Comment: This sequence change creates a premature translational stop signal (p.Val871Alafs*7) in the EPHB4 gene. It is expected to result in an absent or disrupted protein product. Loss-of-function variants in EPHB4 are known to be pathogenic (PMID: 28687708). This variant is not present in population databases (gnomAD no frequency). This variant has not been reported in the literature in individuals affected with EPHB4-related conditions. For these reasons, this variant has been classified as Pathogenic.

Literature cited by the submitters: PubMed 28687708.